The following is an entry in ClinVar:

NM_015378.4(VPS13D):c.3107G>A (p.Arg1036Gln)

Gene: VPS13D (vacuolar protein sorting 13 homolog D; plus strand). Cytogenetic location: 1p36.22.
Variant type: single nucleotide variant.
Coding change: c.3107G>A on transcript NM_015378.4 (MANE Select); coding-DNA position 3107, G replaced by A.
Protein change: p.Arg1036Gln; replaces arginine 1036 with glutamine.
Molecular consequence: missense variant.
Genome position (GRCh38, 1-based): chr1:12,276,695, G>A. VCF-style: chr1-12276695-G-A. GRCh37 (hg19) VCF-style: chr1-12336752-G-A.
Other names: p.Arg1036Gln; c.3107G>A, p.Arg1036Gln (NM_018156.4); c.3107G>A (NM_015378.2); short protein forms R1036Q.
Identifiers: ClinVar variation 1805014 (VCV001805014.6), dbSNP rs145269542, ClinGen allele CA601919.

ClinVar aggregate classification (germline): Uncertain significance. Review status: criteria provided, multiple submitters, no conflicts (2 of 4 stars). 4 submissions from 4 submitters: Uncertain significance (4). Last evaluated 2025-11-15.

Conditions:
Inborn genetic diseases. Identifiers: MedGen C0950123, MeSH D030342.
Autosomal recessive cerebellar ataxia-saccadic intrusion syndrome. Also called: SPINOCEREBELLAR ATAXIA 24; VPS13D Movement Disorder. Identifiers: Orphanet 95434, MedGen C1846492, MONDO:0011811, OMIM 607317.

Allele frequency attached by ClinVar (database versions not stated): gnomAD 0.00003; gnomAD exomes 0.00004; TOPMed 0.00007; ESP Exome Variant Server 0.00008; ExAC 0.00011.
gnomAD v4.1: 64 of 1,613,960 alleles (0.004%); highest among the groups gnomAD compares: Admixed American, 0.03%; no homozygotes.

Submissions (4):

Labcorp Genetics (formerly Invitae), Labcorp
Classification: Uncertain significance. Last evaluated: 2025-11-15. Review status: criteria provided, single submitter. Criteria: Invitae Variant Classification Sherloc (09022015). Collection method: clinical testing. Allele origin: germline.
Comment: This sequence change replaces arginine, which is basic and polar, with glutamine, which is neutral and polar, at codon 1036 of the VPS13D protein (p.Arg1036Gln). This variant is present in population databases (rs145269542, gnomAD 0.03%). This variant has not been reported in the literature in individuals affected with VPS13D-related conditions. ClinVar contains an entry for this variant (Variation ID: 1805014). Invitae Evidence Modeling of protein sequence and biophysical properties (such as structural, functional, and spatial information, amino acid conservation, physicochemical variation, residue mobility, and thermodynamic stability) indicates that this missense variant is expected to disrupt VPS13D protein function with a positive predictive value of 80%. In summary, the available evidence is currently insufficient to determine the role of this variant in disease. Therefore, it has been classified as a Variant of Uncertain Significance.

Mayo Clinic Laboratories, Mayo Clinic
Classification: Uncertain significance. Last evaluated: 2025-10-31. Review status: criteria provided, single submitter. Criteria: ACMG Guidelines, 2015. Collection method: clinical testing. Allele origin: germline. Observed: 1 variant allele.
Comment: BP4_moderate

Ambry Genetics
Classification: Uncertain significance for Inborn genetic diseases. Last evaluated: 2025-04-09. Review status: criteria provided, single submitter. Criteria: Ambry Variant Classification Scheme 2023. Collection method: clinical testing. Allele origin: germline.

Victorian Clinical Genetics Services, Murdoch Childrens Research Institute
Classification: Uncertain significance for Autosomal recessive cerebellar ataxia-saccadic intrusion syndrome. Last evaluated: 2022-09-02. Review status: criteria provided, single submitter. Criteria: ACMG Guidelines, 2015. Collection method: clinical testing. Allele origin: germline. Inheritance: Autosomal recessive inheritance. Affected: yes.
Comment: Based on the classification scheme VCGS_Germline_v1.3.4, this variant is classified as VUS-3B. Following criteria are met: 0102 - Loss of function is a known mechanism of disease in this gene and is associated with spinocerebellar ataxia, autosomal recessive 4 (MIM#607317). (I) 0106 - This gene is associated with autosomal recessive disease. (I) 0200 - Variant is predicted to result in a missense amino acid change from arginine to glutamine. (I) 0251 - This variant is heterozygous. (I) 0304 - Variant is present in gnomAD (v2) <0.01 for a recessive condition (27 heterozygotes, 0 homozygotes). (SP) 0309 - An alternative amino acid change at the same position has been observed in gnomAD (v2) (9 heterozygotes, 0 homozygotes). (I) 0502 - Missense variant with conflicting in silico predictions and uninformative conservation. (I) 0604 - Variant is not located in an established domain, motif, hotspot or informative constraint region. (I) 0705 - No comparable missense variants have previous evidence for pathogenicity. (I) 0807 - This variant has no previous evidence of pathogenicity. (I) 0905 - No published segregation evidence has been identified for this variant. (I) 1007 - No published functional evidence has been identified for this variant. (I) 1208 - Inheritance information for this variant is not currently available in this individual. (I) Legend: (SP) - Supporting pathogenic, (I) - Information, (SB) - Supporting benign